The following is an entry in ClinVar:

NM_152703.5(SAMD9L):c.1908del (p.Ala637fs)

Gene: SAMD9L (sterile alpha motif domain containing 9 like; minus strand). Cytogenetic location: 7q21.2.
Variant type: Deletion.
Coding change: c.1908del on transcript NM_152703.5 (MANE Select); coding-DNA position 1908, one base deleted (C; older notation c.1908delC).
Protein change: p.Ala637fs; shifts the reading frame from alanine 637.
Molecular consequence: frameshift variant.
Genome position (GRCh38, 1-based): chr7:93,134,064, G deleted on the plus strand (C on the coding strand, the reverse complement: SAMD9L is on the minus strand); the first of 3 consecutive G bases (chr7:93,134,064-93,134,066); deleting any one gives the same sequence. VCF-style (leftmost placement, unchanged base first): chr7-93134063-CG-C. GRCh37 (hg19) VCF-style: chr7-92763376-CG-C.
Other names: c.1908del, p.Ala637fs (NM_001303496.3, NM_001303497.3, NM_001303498.3 and 5 more transcripts); short protein forms A637fs.
Identifiers: ClinVar variation 3695003 (VCV003695003.2).
Genomic context (GRCh38, chr7:93,134,063, plus strand): 5'-CCAGTGCAGTCAAGACATCCTCTTTCTTTTTCTCTAGGATAACTGAAGAAGATCCACGGG[CG>C]GGCAAAAACCTTCTTGATGACCGAGTCACCGATTTTAGTTTAAGGATAGTGCTGTTTACC-3'

ClinVar aggregate classification (germline): Uncertain significance (1 of 4 stars; one submission).

Submission:

Labcorp Genetics (formerly Invitae), Labcorp
Classification: Uncertain significance. Last evaluated: 2024-05-01. Review status: criteria provided, single submitter. Criteria: Invitae Variant Classification Sherloc (09022015). Collection method: clinical testing. Allele origin: germline.
Comment: This sequence change creates a premature translational stop signal (p.Ala637Profs*9) in the SAMD9L gene. While this is not anticipated to result in nonsense mediated decay, it is expected to disrupt the last 948 amino acid(s) of the SAMD9L protein. This variant is present in population databases (no rsID available, gnomAD 0.003%). This variant has not been reported in the literature in individuals affected with SAMD9L-related conditions. In summary, the available evidence is currently insufficient to determine the role of this variant in disease. Therefore, it has been classified as a Variant of Uncertain Significance.